The following is an entry in ClinVar:

NM_000384.3(APOB):c.4145A>G (p.His1382Arg)

Gene: APOB (apolipoprotein B; minus strand). Cytogenetic location: 2p24.1.
Variant type: single nucleotide variant.
Coding change: c.4145A>G on transcript NM_000384.3 (MANE Select); coding-DNA position 4145, A replaced by G.
Protein change: p.His1382Arg; replaces histidine 1382 with arginine.
Molecular consequence: missense variant.
Genome position (GRCh38, 1-based): chr2:21,013,231, T>C on the plus strand (A>G on the coding strand, the complement: APOB is on the minus strand). VCF-style: chr2-21013231-T-C. GRCh37 (hg19) VCF-style: chr2-21236103-T-C.
Other names: c.4145A>G (NM_000384.2); short protein forms H1382R.
Identifiers: ClinVar variation 2927655 (VCV002927655.4), dbSNP rs1230772677, ClinGen allele CA346007527.

ClinVar aggregate classification (germline): Conflicting classifications of pathogenicity. Review status: criteria provided, conflicting classifications (1 of 4 stars). 2 submissions from 2 submitters: Uncertain significance (1); Likely benign (1). Last evaluated 2025-03-13.

Conditions:
Cardiovascular phenotype. Identifiers: MedGen CN230736.
Hypercholesterolemia, autosomal dominant, type B (FHCL2). Also called: APOB-Related Familial Hypercholesterolemia, Autosomal Dominant; Familial Hypercholesterolemia Type B; APOLIPOPROTEIN B-100, FAMILIAL DEFECTIVE; APOLIPOPROTEIN B-100, FAMILIAL LIGAND-DEFECTIVE; HYPERCHOLESTEROLEMIA, FAMILIAL, DUE TO LIGAND-DEFECTIVE APOLIPOPROTEIN B; Hyperlipoproteinemia Type IIb. Identifiers: MedGen C1704417, MONDO:0007751, OMIM 144010.
Familial hypobetalipoproteinemia 1. Also called: Hypobetalipoproteinemia, normotriglyceridemic; Acanthocytosis with hypobetalipoproteinemia; APOB-Related Familial Hypobetalipoproteinemia. Identifiers: MedGen C4551990, MONDO:0014252, OMIM 615558.

Allele frequency attached by ClinVar (database versions not stated): gnomAD exomes below 0.00001.

Submissions (2):

Ambry Genetics
Classification: Uncertain significance for Cardiovascular phenotype. Last evaluated: 2025-03-13. Review status: criteria provided, single submitter. Criteria: Ambry Variant Classification Scheme 2023. Collection method: clinical testing. Allele origin: germline.
Comment: The p.H1382R variant (also known as c.4145A>G), located in coding exon 25 of the APOB gene, results from an A to G substitution at nucleotide position 4145. The histidine at codon 1382 is replaced by arginine, an amino acid with highly similar properties. This amino acid position is conserved. In addition, this alteration is predicted to be tolerated by in silico analysis. Based on the available evidence, the clinical significance of this variant remains unclear.

Labcorp Genetics (formerly Invitae), Labcorp
Classification: Likely benign for Familial hypobetalipoproteinemia 1; Hypercholesterolemia, autosomal dominant, type B. Last evaluated: 2023-10-14. Review status: criteria provided, single submitter. Criteria: Invitae Variant Classification Sherloc (09022015). Collection method: clinical testing. Allele origin: germline.